The following is an entry in ClinVar:

ClinVar aggregate classification (germline): Likely benign (1 of 4 stars; one submission).

Allele frequency attached by ClinVar (database versions not stated): ExAC 0.00026; gnomAD exomes 0.00034; gnomAD 0.00080; TOPMed 0.00092; ESP Exome Variant Server 0.00100.
gnomAD v4.1: 650 of 1,613,814 alleles (0.04%); highest among the groups gnomAD compares: African/African-American, 0.25%; 1 homozygote.

Submission:

CeGaT Center for Human Genetics Tuebingen
Classification: Likely benign. Last evaluated: 2022-05-01. Review status: criteria provided, single submitter. Criteria: CeGaT Center For Human Genetics Tuebingen Variant Classification Criteria Version 2. Collection method: clinical testing. Allele origin: germline. Affected: yes. Observed: 1 variant allele.
Comment: TTYH2: BP4, BP7

NM_032646.6(TTYH2):c.1197C>T (p.Ala399=)

Gene: TTYH2 (tweety family member 2; plus strand). Cytogenetic location: 17q25.1.
Variant type: single nucleotide variant.
Coding change: c.1197C>T on transcript NM_032646.6 (MANE Select); coding-DNA position 1197, C replaced by T.
Protein change: p.Ala399=; no amino-acid change (alanine 399 retained).
Molecular consequence: synonymous variant.
Genome position (GRCh38, 1-based): chr17:74,252,314, C>T. VCF-style: chr17-74252314-C-T. GRCh37 (hg19) VCF-style: chr17-72248453-C-T.
Other names: c.1134C>T, p.Ala378= (NM_001330453.2); c.234C>T, p.Ala78= (NM_052869.1).
Identifiers: ClinVar variation 2648189 (VCV002648189.24), dbSNP rs145446841, ClinGen allele CA8744960.